The following is an entry in ClinVar:

ClinVar aggregate classification (germline): Benign. Review status: criteria provided, multiple submitters, no conflicts (2 of 4 stars). 9 submissions from 9 submitters: Benign (9). Last evaluated 2026-01-25.

Conditions:
Primary ciliary dyskinesia. Also called: Ciliary dyskinesia. Identifiers: Orphanet 244, MedGen C0008780, MONDO:0016575, HP:0012265.
Primary ciliary dyskinesia 15. Also called: CILIARY DYSKINESIA, PRIMARY, 15, WITH OR WITHOUT SITUS INVERSUS. Identifiers: Orphanet 244, MedGen C3151137, MONDO:0013435, OMIM 613808.

Allele frequency attached by ClinVar (database versions not stated): gnomAD 0.01693 and 0.01818; 1000 Genomes Project 0.01897; ESP Exome Variant Server 0.01953; TOPMed 0.01981; 1000 Genomes Project 30x 0.02014.
gnomAD v4.1: 5,303 of 1,614,038 alleles (0.33%); highest among the groups gnomAD compares: African/African-American, 5.9%; 148 homozygotes.

Submissions (9):

Labcorp Genetics (formerly Invitae), Labcorp
Classification: Benign for Primary ciliary dyskinesia. Last evaluated: 2026-01-25. Review status: criteria provided, single submitter. Criteria: Invitae Variant Classification Sherloc (09022015). Collection method: clinical testing. Allele origin: germline.

Mayo Clinic Laboratories, Mayo Clinic
Classification: Benign. Last evaluated: 2024-04-29. Review status: criteria provided, single submitter. Criteria: ACMG Guidelines, 2015. Collection method: clinical testing. Allele origin: germline. Observed: 2 variant alleles.

ARUP Laboratories, Molecular Genetics and Genomics, ARUP Laboratories
Classification: Benign for Primary ciliary dyskinesia 15. Last evaluated: 2023-11-28. Review status: criteria provided, single submitter. Criteria: ARUP Molecular Germline Variant Investigation Process 2024. Collection method: clinical testing. Allele origin: germline.

GeneDx
Classification: Benign. Last evaluated: 2018-12-31. Review status: criteria provided, single submitter. Criteria: GeneDx Variant Classification Process June 2021. Collection method: clinical testing. Allele origin: germline. Affected: yes.

Illumina Laboratory Services, Illumina
Classification: Benign for Primary ciliary dyskinesia 15. Last evaluated: 2018-01-12. Review status: criteria provided, single submitter. Criteria: ICSL Variant Classification Criteria 13 December 2019. Collection method: clinical testing. Allele origin: germline.
Comment: This variant was observed in the ICSL laboratory as part of a predisposition screen in an ostensibly healthy population. It had not been previously curated by ICSL or reported in the Human Gene Mutation Database (HGMD: prior to June 1st, 2018), and was therefore a candidate for classification through an automated scoring system. Utilizing variant allele frequency, disease prevalence and penetrance estimates, and inheritance mode, an automated score was calculated to assess if this variant is too frequent to cause the disease. Based on the score and internal cut-off values, a variant classified as benign is not then subjected to further curation. The score for this variant resulted in a classification of benign for this disease.

Ambry Genetics
Classification: Benign for Primary ciliary dyskinesia. Last evaluated: 2017-02-06. Review status: criteria provided, single submitter. Criteria: Ambry Variant Classification Scheme 2023. Collection method: clinical testing. Allele origin: germline.

Laboratory for Molecular Medicine, Mass General Brigham Personalized Medicine
Classification: Benign. Last evaluated: 2013-02-21. Review status: criteria provided, single submitter. Criteria: LMM Criteria. Collection method: clinical testing. Allele origin: germline. Observed: 2 variant alleles.
Comment: Phe868Phe in exon 15 of CCDC40: This variant is not expected to have clinical si gnificance because it does not alter an amino acid residue and is not located wi thin the splice consensus sequence. It has been identified in 5.8% (242/4202) of African American chromosomes from a broad population by the NHLBI Exome Sequenc ing Project (dbSNP rs61749027).

Breakthrough Genomics
Classification: Benign. Review status: criteria provided, single submitter. Criteria: ACMG Guidelines, 2015. Collection method: not provided. Allele origin: germline. Inheritance: Autosomal recessive inheritance. Affected: yes.

PreventionGenetics, part of Exact Sciences
Classification: Benign. Review status: criteria provided, single submitter. Criteria: ACMG Guidelines, 2015. Collection method: clinical testing. Allele origin: germline.

NM_017950.4(CCDC40):c.2604C>T (p.Phe868=)

Gene: CCDC40 (coiled-coil domain 40 molecular ruler complex subunit; plus strand). Cytogenetic location: 17q25.3.
Variant type: single nucleotide variant.
Coding change: c.2604C>T on transcript NM_017950.4 (MANE Select); coding-DNA position 2604, C replaced by T.
Protein change: p.Phe868=; no amino-acid change (phenylalanine 868 retained).
Molecular consequence: synonymous variant.
Genome position (GRCh38, 1-based): chr17:80,087,761, C>T. VCF-style: chr17-80087761-C-T. GRCh37 (hg19) VCF-style: chr17-78061560-C-T.
Other names: p.Phe868=; c.2604C>T, p.Phe868= (NM_001243342.2).
Identifiers: ClinVar variation 226491 (VCV000226491.27), dbSNP rs61749027, ClinGen allele CA8814247.